The following is an entry in ClinVar:

NM_018451.5(CPAP):c.866-3C>T

Gene: CPAP (centrosome assembly and centriole elongation protein; minus strand). Cytogenetic location: 13q12.13.
Variant type: single nucleotide variant.
Coding change: c.866-3C>T on transcript NM_018451.5 (MANE Select); 3 bases into the intron before coding-DNA position 866, C replaced by T.
Molecular consequence: intron variant.
Genome position (GRCh38, 1-based): chr13:24,908,129, G>A on the plus strand (C>T on the coding strand, the complement: CPAP is on the minus strand). VCF-style: chr13-24908129-G-A. GRCh37 (hg19) VCF-style: chr13-25482267-G-A.
Identifiers: ClinVar variation 1424043 (VCV001424043.6), dbSNP rs1183789379, ClinGen allele CA608674322.
Genomic context (GRCh38, chr13:24,908,129, plus strand): 5'-TTATCATTTGCTTCCTGAATCTGTTCTGTCACTTTCTCCCAACATAAGATACTTTCTCCT[G>A]AGATAAAAATTAAGAACAATTTAGCTCAAGAAAAGCATATTAATGTCTTAAAACATGAGA-3'

ClinVar aggregate classification (germline): Uncertain significance (1 of 4 stars; one submission).

Allele frequency attached by ClinVar (database versions not stated): gnomAD exomes below 0.00001 and 0.00002; TOPMed 0.00001; gnomAD 0.00002.
gnomAD v4.1: 9 of 1,601,568 alleles (0.00056%); highest among the groups gnomAD compares: Non-Finnish European, 0.00077%; no homozygotes.

Submission:

Labcorp Genetics (formerly Invitae), Labcorp
Classification: Uncertain significance. Last evaluated: 2021-08-25. Review status: criteria provided, single submitter. Criteria: Invitae Variant Classification Sherloc (09022015). Collection method: clinical testing. Allele origin: germline.
Comment: Variants that disrupt the consensus splice site are a relatively common cause of aberrant splicing (PMID: 17576681, 9536098). Algorithms developed to predict the effect of sequence changes on RNA splicing suggest that this variant is not likely to affect RNA splicing. This variant has not been reported in the literature in individuals affected with CENPJ-related conditions. This variant is not present in population databases (ExAC no frequency). This sequence change falls in intron 4 of the CENPJ gene. It does not directly change the encoded amino acid sequence of the CENPJ protein. It affects a nucleotide within the consensus splice site of the intron. In summary, the available evidence is currently insufficient to determine the role of this variant in disease. Therefore, it has been classified as a Variant of Uncertain Significance.

Literature cited by the submitters: PubMed 17576681; PubMed 9536098.